The following is an entry in ClinVar:

ClinVar aggregate classification (germline): Uncertain significance. Review status: criteria provided, multiple submitters, no conflicts (2 of 4 stars). 2 submissions from 2 submitters: Uncertain significance (2). Last evaluated 2023-08-18.

Conditions:
Hereditary cancer-predisposing syndrome. Also called: Hereditary neoplastic syndrome; Neoplastic Syndromes, Hereditary; Hereditary Cancer Syndrome; Tumor predisposition. Identifiers: Orphanet 140162, MedGen C0027672, MeSH D009386, MONDO:0015356.
Hereditary nonpolyposis colorectal neoplasms. Identifiers: MedGen C0009405, MeSH D003123.

Allele frequency attached by ClinVar (database versions not stated): gnomAD exomes below 0.00001.
gnomAD v4.1: 1 of 1,604,650 alleles (0.000062%); highest among the groups gnomAD compares: Non-Finnish European, 0.000085%; no homozygotes.

Submissions (2):

Labcorp Genetics (formerly Invitae), Labcorp
Classification: Uncertain significance for Hereditary nonpolyposis colorectal neoplasms. Last evaluated: 2023-08-18. Review status: criteria provided, single submitter. Criteria: Invitae Variant Classification Sherloc (09022015). Collection method: clinical testing. Allele origin: germline.
Comment: In summary, the available evidence is currently insufficient to determine the role of this variant in disease. Therefore, it has been classified as a Variant of Uncertain Significance. Advanced modeling of protein sequence and biophysical properties (such as structural, functional, and spatial information, amino acid conservation, physicochemical variation, residue mobility, and thermodynamic stability) performed at Invitae indicates that this missense variant is not expected to disrupt PMS2 protein function. ClinVar contains an entry for this variant (Variation ID: 1484683). This variant has not been reported in the literature in individuals affected with PMS2-related conditions. The frequency data for this variant in the population databases (gnomAD) is considered unreliable due to the presence of homologous sequence, such as pseudogenes or paralogs, in the genome. This sequence change replaces serine, which is neutral and polar, with arginine, which is basic and polar, at codon 793 of the PMS2 protein (p.Ser793Arg).

Ambry Genetics
Classification: Uncertain significance for Hereditary cancer-predisposing syndrome. Last evaluated: 2023-04-18. Review status: criteria provided, single submitter. Criteria: Ambry Variant Classification Scheme 2023. Collection method: clinical testing. Allele origin: germline.
Comment: The p.S793R variant (also known as c.2379C>A), located in coding exon 14 of the PMS2 gene, results from a C to A substitution at nucleotide position 2379. The serine at codon 793 is replaced by arginine, an amino acid with dissimilar properties. This amino acid position is conserved. In addition, this alteration is predicted to be tolerated by in silico analysis. Since supporting evidence is limited at this time, the clinical significance of this alteration remains unclear.

NM_000535.7(PMS2):c.2379C>A (p.Ser793Arg)

Gene: PMS2 (PMS1 homolog 2, mismatch repair system component; minus strand). Cytogenetic location: 7p22.1.
Variant type: single nucleotide variant.
Coding change: c.2379C>A on transcript NM_000535.7 (MANE Select); coding-DNA position 2379, C replaced by A.
Protein change: p.Ser793Arg; replaces serine 793 with arginine.
Molecular consequence: missense variant. On other transcripts: non-coding transcript variant (1).
Genome position (GRCh38, 1-based): chr7:5,977,654, G>T on the plus strand (C>A on the coding strand, the complement: PMS2 is on the minus strand). VCF-style: chr7-5977654-G-T. GRCh37 (hg19) VCF-style: chr7-6017285-G-T.
Other names: c.2379C>A (NM_000535.5); c.1974C>A, p.Ser658Arg (NM_001322003.2, NM_001322004.2, NM_001322005.2); c.2223C>A, p.Ser741Arg (NM_001322006.2); c.2061C>A, p.Ser687Arg (NM_001322007.2, NM_001322008.2); c.2007C>A, p.Ser669Arg (NM_001322009.2); c.1818C>A, p.Ser606Arg (NM_001322010.2); c.1446C>A, p.Ser482Arg (NM_001322011.2, NM_001322012.2); c.1806C>A, p.Ser602Arg (NM_001322013.2); and 2 more; short protein forms S482R, S606R, S741R, S602R, S687R, S690R, S658R, S669R.
Identifiers: ClinVar variation 1484683 (VCV001484683.9), dbSNP rs1554293887, ClinGen allele CA366735761.